The following is an entry in ClinVar:

ClinVar aggregate classification (germline): Uncertain significance. Review status: criteria provided, multiple submitters, no conflicts (2 of 4 stars). 4 submissions from 4 submitters: Uncertain significance (3). 1 of the submissions does not count toward it. Last evaluated 2025-03-28.

Conditions:
Retinal dystrophy. Also called: Inherited retinal dystrophy. Identifiers: Orphanet 71862, MedGen C0854723, MeSH D058499, MONDO:0019118, HP:0000556.

gnomAD v4.1: 23 of 1,611,898 alleles (0.0014%); highest among the groups gnomAD compares: East Asian, 0.011%; no homozygotes.

Submissions (4):

GeneDx
Classification: Uncertain significance. Last evaluated: 2025-03-28. Review status: criteria provided, single submitter. Criteria: GeneDx Variant Classification Process June 2021. Collection method: clinical testing. Allele origin: germline. Affected: yes.
Comment: In silico analysis supports that this missense variant has a deleterious effect on protein structure/function; Has not been previously published as pathogenic or benign to our knowledge

Blueprint Genetics
Classification: Uncertain significance. Last evaluated: 2024-09-12. Review status: criteria provided, single submitter. Criteria: ACMG Guidelines, 2015. Collection method: clinical testing. Allele origin: germline.

Labcorp Genetics (formerly Invitae), Labcorp
Classification: Uncertain significance. Last evaluated: 2024-07-03. Review status: criteria provided, single submitter. Criteria: Invitae Variant Classification Sherloc (09022015). Collection method: clinical testing. Allele origin: germline.
Comment: This sequence change replaces serine, which is neutral and polar, with isoleucine, which is neutral and non-polar, at codon 318 of the GRM6 protein (p.Ser318Ile). This variant is present in population databases (rs755939082, gnomAD 0.007%). This variant has not been reported in the literature in individuals affected with GRM6-related conditions. ClinVar contains an entry for this variant (Variation ID: 1063835). Advanced modeling of protein sequence and biophysical properties (such as structural, functional, and spatial information, amino acid conservation, physicochemical variation, residue mobility, and thermodynamic stability) performed at Invitae indicates that this missense variant is not expected to disrupt GRM6 protein function with a negative predictive value of 80%. In summary, the available evidence is currently insufficient to determine the role of this variant in disease. Therefore, it has been classified as a Variant of Uncertain Significance.

Institute of Human Genetics, Univ. Regensburg, Univ. Regensburg
Classification: Uncertain significance for Retinal dystrophy. Last evaluated: 2023-01-01. Review status: no assertion criteria provided. Criteria: ACMG Guidelines, 2015. Collection method: clinical testing. Allele origin: germline. Affected: yes. Not counted in ClinVar's aggregate classification.

NM_000843.4(GRM6):c.953G>T (p.Ser318Ile)

Gene: GRM6 (glutamate metabotropic receptor 6; minus strand). Cytogenetic location: 5q35.3.
Variant type: single nucleotide variant.
Coding change: c.953G>T on transcript NM_000843.4 (MANE Select); coding-DNA position 953, G replaced by T.
Protein change: p.Ser318Ile; replaces serine 318 with isoleucine.
Molecular consequence: missense variant.
Genome position (GRCh38, 1-based): chr5:178,990,651, C>A on the plus strand (G>T on the coding strand, the complement: GRM6 is on the minus strand). VCF-style: chr5-178990651-C-A. GRCh37 (hg19) VCF-style: chr5-178417652-C-A.
Other names: c.953G>T (NM_000843.3); short protein forms S318I.
Identifiers: ClinVar variation 1063835 (VCV001063835.11), dbSNP rs755939082, ClinGen allele CA3594299.
Genomic context (GRCh38, chr5:178,990,651, plus strand): 5'-CCGTCGATGGAGGCCCTTTTGGGCAGGATGGTGATGGCCCCAACGGCCACGTCCTCCAGG[C>A]TCAAGATGGGTGAGGTCTTGGCTCCCCAGCTGTCTGAGCCGACCCACAGGAAGTGGCCGG-3'
Protein context (NP_000834.2, residues 308-328): SWGAKTSPIL[Ser318Ile]LEDVAVGAIT